The following is an entry in ClinVar:

ClinVar aggregate classification (germline): Uncertain significance (1 of 4 stars; one submission).

Allele frequency attached by ClinVar (database versions not stated): gnomAD exomes below 0.00001; TOPMed below 0.00001.
gnomAD v4.1: 1 of 1,614,232 alleles (0.000062%); highest among the groups gnomAD compares: Non-Finnish European, 0.000085%; no homozygotes.

Submission:

Ambry Genetics
Classification: Uncertain significance. Last evaluated: 2023-09-25. Review status: criteria provided, single submitter. Criteria: Ambry Variant Classification Scheme 2023. Collection method: clinical testing. Allele origin: germline.
Comment: The p.F183L variant (also known as c.547T>C), located in coding exon 1 of the PALLD gene, results from a T to C substitution at nucleotide position 547. The phenylalanine at codon 183 is replaced by leucine, an amino acid with highly similar properties. This amino acid position is conserved. In addition, the in silico prediction for this alteration is inconclusive. Since supporting evidence is limited at this time, the clinical significance of this alteration remains unclear.

NM_001166108.2(PALLD):c.547T>C (p.Phe183Leu)

Gene: PALLD (palladin, cytoskeletal associated protein; plus strand). Cytogenetic location: 4q32.3.
Variant type: single nucleotide variant.
Coding change: c.547T>C on transcript NM_001166108.2 (MANE Select); coding-DNA position 547, T replaced by C.
Protein change: p.Phe183Leu; replaces phenylalanine 183 with leucine.
Molecular consequence: missense variant.
Genome position (GRCh38, 1-based): chr4:168,512,051, T>C. VCF-style: chr4-168512051-T-C. GRCh37 (hg19) VCF-style: chr4-169433202-T-C.
Other names: c.547T>C, p.Phe183Leu (NM_016081.4); short protein forms F183L.
Identifiers: ClinVar variation 1747799 (VCV001747799.2), dbSNP rs1160038875, ClinGen allele CA358726259.